The following is an entry in ClinVar:

NM_006946.4(SPTBN2):c.324G>T (p.Lys108Asn)

Gene: SPTBN2 (spectrin beta, non-erythrocytic 2; minus strand). Cytogenetic location: 11q13.2.
Variant type: single nucleotide variant.
Coding change: c.324G>T on transcript NM_006946.4 (MANE Select); coding-DNA position 324, G replaced by T.
Protein change: p.Lys108Asn; replaces lysine 108 with asparagine.
Molecular consequence: missense variant.
Genome position (GRCh38, 1-based): chr11:66,715,381, C>A on the plus strand (G>T on the coding strand, the complement: SPTBN2 is on the minus strand). VCF-style: chr11-66715381-C-A. GRCh37 (hg19) VCF-style: chr11-66482852-C-A.
Other names: c.345G>T, p.Lys115Asn (NM_001411025.1); c.324G>T, p.Lys108Asn (NM_001437541.1); short protein forms K108N, K115N.
Identifiers: ClinVar variation 4682232 (VCV004682232.1).

ClinVar aggregate classification (germline): Uncertain significance (1 of 4 stars; one submission).

gnomAD v4.1: 8 of 1,612,798 alleles (0.0005%); highest among the groups gnomAD compares: Non-Finnish European, 0.00068%; no homozygotes.

Submission:

Athena Diagnostics
Classification: Uncertain significance. Last evaluated: 2025-08-21. Review status: criteria provided, single submitter. Criteria: Athena Diagnostics Criteria. Collection method: clinical testing. Allele origin: unknown.
Comment: Available data are insufficient to determine the clinical significance of the variant at this time. The frequency of this variant in the general population is uninformative in assessment of its pathogenicity. Polyphen and MutationTaster predict this amino acid change may be damaging to the protein.